The following is an entry in ClinVar:

NM_000238.4(KCNH2):c.208C>A (p.His70Asn)

Gene: KCNH2 (potassium voltage-gated channel subfamily H member 2; minus strand). Cytogenetic location: 7q36.1.
Variant type: single nucleotide variant.
Coding change: c.208C>A on transcript NM_000238.4 (MANE Select); coding-DNA position 208, C replaced by A.
Protein change: p.His70Asn; replaces histidine 70 with asparagine.
Molecular consequence: missense variant.
Genome position (GRCh38, 1-based): chr7:150,974,810, G>T on the plus strand (C>A on the coding strand, the complement: KCNH2 is on the minus strand). VCF-style: chr7-150974810-G-T. GRCh37 (hg19) VCF-style: chr7-150671898-G-T.
Other names: c.208C>A (LRG_288t1); c.31C>A, p.His11Asn (NM_001406755.1); c.208C>A, p.His70Asn (NM_172056.3); short protein forms H70N, H11N.
Identifiers: ClinVar variation 67362 (VCV000067362.3), dbSNP rs199473418, ClinGen allele CA006222.

ClinVar aggregate classification (germline): not provided (0 of 4 stars; one submission).

Conditions:
Familial long QT syndrome (RWS). Also called: Congenital long QT syndrome; Romano-Ward syndrome; VENTRICULAR FIBRILLATION WITH PROLONGED QT INTERVAL. Identifiers: Orphanet 768, MedGen C1141890, MONDO:0019171.

Submission:

Cardiovascular Biomedical Research Unit, Royal Brompton & Harefield NHS Foundation Trust
No classification provided. Condition: Familial long QT syndrome. Review status: no classification provided. Collection method: literature only. Allele origin: germline.
Comment: This variant has been reported as associated with Long QT syndrome in the following publications (PMID:19716085). This is a literature report, and does not necessarily reflect the clinical interpretation of the Imperial College / Royal Brompton Cardiovascular Genetics laboratory.

Literature cited by the submitters: PubMed 19716085; PubMed 22581653.